The following is an entry in ClinVar:

ClinVar aggregate classification (germline): Uncertain significance (1 of 4 stars; one submission).

Conditions:
Inflammatory bowel disease 28. Also called: Inflammatory bowel disease 28, early onset, autosomal recessive. Identifiers: Orphanet 238569, MedGen C2751053, MONDO:0013153, OMIM 613148.

Allele frequency attached by ClinVar (database versions not stated): gnomAD exomes 0.00003 and 0.00007; gnomAD 0.00006 and 0.00007; TOPMed 0.00012.

Submission:

Labcorp Genetics (formerly Invitae), Labcorp
Classification: Uncertain significance for Inflammatory bowel disease 28. Last evaluated: 2024-10-28. Review status: criteria provided, single submitter. Criteria: Invitae Variant Classification Sherloc (09022015). Collection method: clinical testing. Allele origin: germline.
Comment: This sequence change replaces alanine, which is neutral and non-polar, with threonine, which is neutral and polar, at codon 251 of the IL10RA protein (p.Ala251Thr). This variant is present in population databases (rs758334771, gnomAD 0.02%). This variant has not been reported in the literature in individuals affected with IL10RA-related conditions. ClinVar contains an entry for this variant (Variation ID: 470624). Invitae Evidence Modeling of protein sequence and biophysical properties (such as structural, functional, and spatial information, amino acid conservation, physicochemical variation, residue mobility, and thermodynamic stability) indicates that this missense variant is not expected to disrupt IL10RA protein function with a negative predictive value of 80%. In summary, the available evidence is currently insufficient to determine the role of this variant in disease. Therefore, it has been classified as a Variant of Uncertain Significance.

NM_001558.4(IL10RA):c.751G>A (p.Ala251Thr)

Gene: IL10RA (interleukin 10 receptor subunit alpha; plus strand). Cytogenetic location: 11q23.3.
Variant type: single nucleotide variant.
Coding change: c.751G>A on transcript NM_001558.4 (MANE Select); coding-DNA position 751, G replaced by A.
Protein change: p.Ala251Thr; replaces alanine 251 with threonine.
Molecular consequence: missense variant. On other transcripts: non-coding transcript variant (1).
Genome position (GRCh38, 1-based): chr11:117,995,651, G>A. VCF-style: chr11-117995651-G-A. GRCh37 (hg19) VCF-style: chr11-117866366-G-A.
Other names: short protein forms A251T.
Identifiers: ClinVar variation 470624 (VCV000470624.7), dbSNP rs758334771, ClinGen allele CA229446585.